The following is an entry in ClinVar:

NM_001065.4(TNFRSF1A):c.*64T>C

Gene: TNFRSF1A (TNF receptor superfamily member 1A; minus strand). Cytogenetic location: 12p13.31.
Variant type: single nucleotide variant.
Coding change: c.*64T>C on transcript NM_001065.4 (MANE Select); 64 bases downstream of the stop codon, T replaced by C.
Molecular consequence: 3 prime UTR variant. On other transcripts: non-coding transcript variant (1).
Genome position (GRCh38, 1-based): chr12:6,329,248, A>G on the plus strand (T>C on the coding strand, the complement: TNFRSF1A is on the minus strand). VCF-style: chr12-6329248-A-G. GRCh37 (hg19) VCF-style: chr12-6438414-A-G.
Other names: c.*64T>C (NM_001346091.2, NM_001346092.2).
Identifiers: ClinVar variation 883795 (VCV000883795.5), dbSNP rs200188649, ClinGen allele CA232325417.

ClinVar aggregate classification (germline): Conflicting classifications of pathogenicity. Review status: criteria provided, conflicting classifications (1 of 4 stars). 2 submissions from 2 submitters: Uncertain significance (1); Benign (1). Last evaluated 2018-01-12.

Conditions:
TNF receptor-associated periodic fever syndrome (TRAPS) (FPF). Also called: TNF Receptor-Associated Periodic Fever Syndrome; FAMILIAL HIBERNIAN FEVER; TNF RECEPTOR-ASSOCIATED PERIODIC SYNDROME; TUMOR NECROSIS FACTOR RECEPTOR-ASSOCIATED PERIODIC SYNDROME; TNF receptor 1-associated periodic fever syndrome; Autosomal Dominant Familial Periodic Fever. Identifiers: Orphanet 32960, MedGen C1275126, MONDO:0007727, OMIM 142680.

Allele frequency attached by ClinVar (database versions not stated): gnomAD exomes 0.00027; gnomAD 0.00028 and 0.00035; TOPMed 0.00050; 1000 Genomes Project 0.00120; 1000 Genomes Project 30x 0.00141.
gnomAD v4.1: 402 of 1,416,108 alleles (0.028%); highest among the groups gnomAD compares: East Asian, 1%; 5 homozygotes.

Submissions (2):

Illumina Laboratory Services, Illumina
Classification: Uncertain significance for TNF receptor-associated periodic fever syndrome (TRAPS). Last evaluated: 2018-01-12. Review status: criteria provided, single submitter. Criteria: ICSL Variant Classification Criteria 13 December 2019. Collection method: clinical testing. Allele origin: germline.

GeneDx
Classification: Benign. Last evaluated: 2015-03-03. Review status: criteria provided, single submitter. Criteria: GeneDx Variant Classification Process June 2021. Collection method: clinical testing. Allele origin: germline. Affected: yes.
Comment: This variant is associated with the following publications: (PMID: 31774538)